The following is an entry in ClinVar:

ClinVar aggregate classification (germline): Uncertain significance (1 of 4 stars; one submission).

Conditions:
Baller-Gerold syndrome (BGS). Also called: CRANIOSYNOSTOSIS WITH RADIAL DEFECTS. Identifiers: Orphanet 1225, MedGen C0265308, MONDO:0009039, OMIM 218600.

Submission:

Labcorp Genetics (formerly Invitae), Labcorp
Classification: Uncertain significance for Baller-Gerold syndrome. Last evaluated: 2022-06-13. Review status: criteria provided, single submitter. Criteria: Invitae Variant Classification Sherloc (09022015). Collection method: clinical testing. Allele origin: germline.
Comment: This sequence change replaces proline, which is neutral and non-polar, with threonine, which is neutral and polar, at codon 298 of the RECQL4 protein (p.Pro298Thr). This variant is present in population databases (no rsID available, gnomAD 0.003%). This variant has not been reported in the literature in individuals affected with RECQL4-related conditions. Experimental studies and prediction algorithms are not available or were not evaluated, and the functional significance of this variant is currently unknown. In summary, the available evidence is currently insufficient to determine the role of this variant in disease. Therefore, it has been classified as a Variant of Uncertain Significance.

NM_004260.4(RECQL4):c.892C>A (p.Pro298Thr)

Gene: RECQL4 (RecQ like helicase 4; minus strand). Cytogenetic location: 8q24.3.
Variant type: single nucleotide variant.
Coding change: c.892C>A on transcript NM_004260.4 (MANE Select); coding-DNA position 892, C replaced by A.
Protein change: p.Pro298Thr; replaces proline 298 with threonine.
Molecular consequence: missense variant.
Genome position (GRCh38, 1-based): chr8:144,516,227, G>T on the plus strand (C>A on the coding strand, the complement: RECQL4 is on the minus strand). VCF-style: chr8-144516227-G-T. GRCh37 (hg19) VCF-style: chr8-145741611-G-T.
Other names: c.892C>A, p.Pro298Thr (NM_001413017.1, NM_001413018.1, NM_001413019.1 and 4 more transcripts); c.-180C>A (NM_001413021.1, NM_001413022.1, NM_001413023.1 and 7 more transcripts); c.763C>A, p.Pro255Thr (NM_001413025.1); c.-242C>A (NM_001413027.1, NM_001413030.1, NM_001413031.1 and 2 more transcripts); c.541C>A, p.Pro181Thr (NM_001413029.1); c.-84C>A (NM_001413034.1); c.-449C>A (NM_001413043.1); short protein forms P181T, P255T, P298T.
Identifiers: ClinVar variation 2005703 (VCV002005703.4), dbSNP rs892796827, ClinGen allele CA372688752.